The following is an entry in ClinVar:

ClinVar aggregate classification (germline): Benign. Review status: criteria provided, multiple submitters, no conflicts (2 of 4 stars). 7 submissions from 7 submitters: Benign (7). Last evaluated 2026-02-04.

Conditions:
Fanconi anemia (FA). Also called: Fanconi's anemia. Identifiers: Orphanet 84, MedGen C0015625, MeSH D005199, MONDO:0019391.
Fanconi anemia complementation group F. Also called: FANCF-Related Fanconi Anemia. Identifiers: Orphanet 84, MedGen C3469526, MONDO:0011325, OMIM 603467.

Allele frequency attached by ClinVar (database versions not stated): ESP Exome Variant Server 0.00062; gnomAD 0.00215 and 0.00382; gnomAD exomes 0.00294 and 0.00937; TOPMed 0.00348; ExAC 0.00936; 1000 Genomes Project 30x 0.02061; 1000 Genomes Project 0.02256.
gnomAD v4.1: 5,101 of 1,614,146 alleles (0.32%); highest among the groups gnomAD compares: East Asian, 5.5%; 122 homozygotes.

Submissions (7):

Labcorp Genetics (formerly Invitae), Labcorp
Classification: Benign for Fanconi anemia. Last evaluated: 2026-02-04. Review status: criteria provided, single submitter. Criteria: Invitae Variant Classification Sherloc (09022015). Collection method: clinical testing. Allele origin: germline.

ARUP Laboratories, Molecular Genetics and Genomics, ARUP Laboratories
Classification: Benign for Fanconi anemia complementation group F. Last evaluated: 2025-07-28. Review status: criteria provided, single submitter. Criteria: ARUP Molecular Germline Variant Investigation Process 2024. Collection method: clinical testing. Allele origin: germline.

KCCC/NGS Laboratory, Kuwait Cancer Control Center
Classification: Benign for Fanconi anemia complementation group F. Last evaluated: 2023-07-07. Review status: criteria provided, single submitter. Criteria: ACMG Guidelines, 2015. Collection method: clinical testing. Allele origin: germline. Affected: yes.

GeneDx
Classification: Benign. Last evaluated: 2019-06-28. Review status: criteria provided, single submitter. Criteria: GeneDx Variant Classification Process June 2021. Collection method: clinical testing. Allele origin: germline. Affected: yes.

Illumina Laboratory Services, Illumina
Classification: Benign for Fanconi anemia complementation group F. Last evaluated: 2018-01-12. Review status: criteria provided, single submitter. Criteria: ICSL Variant Classification Criteria 13 December 2019. Collection method: clinical testing. Allele origin: germline.
Comment: This variant was observed in the ICSL laboratory as part of a predisposition screen in an ostensibly healthy population. It had not been previously curated by ICSL or reported in the Human Gene Mutation Database (HGMD: prior to June 1st, 2018), and was therefore a candidate for classification through an automated scoring system. Utilizing variant allele frequency, disease prevalence and penetrance estimates, and inheritance mode, an automated score was calculated to assess if this variant is too frequent to cause the disease. Based on the score and internal cut-off values, a variant classified as benign is not then subjected to further curation. The score for this variant resulted in a classification of benign for this disease.

Breakthrough Genomics
Classification: Benign. Review status: criteria provided, single submitter. Criteria: ACMG Guidelines, 2015. Collection method: not provided. Allele origin: germline. Inheritance: Autosomal recessive inheritance. Affected: yes.

PreventionGenetics, part of Exact Sciences
Classification: Benign. Review status: criteria provided, single submitter. Criteria: ACMG Guidelines, 2015. Collection method: clinical testing. Allele origin: germline.

NM_022725.4(FANCF):c.786A>G (p.Leu262=)

Gene: FANCF (FA complementation group F; minus strand). Cytogenetic location: 11p14.3.
Variant type: single nucleotide variant.
Coding change: c.786A>G on transcript NM_022725.4 (MANE Select); coding-DNA position 786, A replaced by G.
Protein change: p.Leu262=; no amino-acid change (leucine 262 retained).
Molecular consequence: synonymous variant.
Genome position (GRCh38, 1-based): chr11:22,625,025, T>C on the plus strand (A>G on the coding strand, the complement: FANCF is on the minus strand). VCF-style: chr11-22625025-T-C. GRCh37 (hg19) VCF-style: chr11-22646571-T-C.
Identifiers: ClinVar variation 241443 (VCV000241443.21), dbSNP rs11026706, ClinGen allele CA5924261.